The following is an entry in ClinVar:

NM_001018115.3(FANCD2):c.1727T>C (p.Ile576Thr)

Genes: FANCD2 (FA complementation group D2; plus strand), LOC107303338 (3p25 FANCD2 Alu-mediated recombination region; plus strand). Cytogenetic location: 3p25.3.
Variant type: single nucleotide variant.
Coding change: c.1727T>C on transcript NM_001018115.3 (MANE Select); coding-DNA position 1727, T replaced by C.
Protein change: p.Ile576Thr; replaces isoleucine 576 with threonine.
Molecular consequence: missense variant.
Genome position (GRCh38, 1-based): chr3:10,060,364, T>C. VCF-style: chr3-10060364-T-C. GRCh37 (hg19) VCF-style: chr3-10102048-T-C.
Other names: c.1727T>C, p.Ile576Thr (NM_001319984.2, NM_001374254.1, NM_033084.6); c.1616T>C, p.Ile539Thr (NM_001374253.1); short protein forms I576T, I539T.
Identifiers: ClinVar variation 1954610 (VCV001954610.2), dbSNP rs2087530802, ClinGen allele CA351727174.
Genomic context (GRCh38, chr3:10,060,364, plus strand): 5'-ACTTGGTGATAAGAAAGCAGCTCTCTAGCACCGTATTCAAGTACAAGCTCATTGGGATTA[T>C]TGGTGCTGTGACCATGGCTGGCATCATGGCGGCAGACAGGTACACGTGGAGATTCTGACT-3'
Protein context (NP_001018125.1, residues 566-586): TVFKYKLIGI[Ile576Thr]GAVTMAGIMA

ClinVar aggregate classification (germline): Uncertain significance (1 of 4 stars; one submission).

Conditions:
Fanconi anemia (FA). Also called: Fanconi's anemia. Identifiers: Orphanet 84, MedGen C0015625, MeSH D005199, MONDO:0019391.

Allele frequency attached by ClinVar (database versions not stated): TOPMed below 0.00001.

Submission:

Labcorp Genetics (formerly Invitae), Labcorp
Classification: Uncertain significance for Fanconi anemia. Last evaluated: 2022-08-19. Review status: criteria provided, single submitter. Criteria: Invitae Variant Classification Sherloc (09022015). Collection method: clinical testing. Allele origin: germline.
Comment: This sequence change replaces isoleucine, which is neutral and non-polar, with threonine, which is neutral and polar, at codon 576 of the FANCD2 protein (p.Ile576Thr). This variant is not present in population databases (gnomAD no frequency). This variant has not been reported in the literature in individuals affected with FANCD2-related conditions. Algorithms developed to predict the effect of missense changes on protein structure and function are either unavailable or do not agree on the potential impact of this missense change (SIFT: "Deleterious"; PolyPhen-2: "Possibly Damaging"; Align-GVGD: "Class C0"). In summary, the available evidence is currently insufficient to determine the role of this variant in disease. Therefore, it has been classified as a Variant of Uncertain Significance.